The following is an entry in ClinVar:

ClinVar aggregate classification (germline): Uncertain significance. Review status: criteria provided, multiple submitters, no conflicts (2 of 4 stars). 2 submissions from 2 submitters: Uncertain significance (2). Last evaluated 2026-01-07.

Conditions:
MYH7B-related disorder. Also called: MYH7B-related condition.

Allele frequency attached by ClinVar (database versions not stated): gnomAD 0.00007; ExAC 0.00008; ESP Exome Variant Server 0.00008; TOPMed 0.00014.
gnomAD v4.1: 74 of 1,611,968 alleles (0.0046%); highest among the groups gnomAD compares: African/African-American, 0.023%; no homozygotes.

Submissions (2):

PreventionGenetics, part of Exact Sciences
Classification: Uncertain significance for MYH7B-related condition. Last evaluated: 2026-01-07. Review status: criteria provided, single submitter. Criteria: ACMG Guidelines, 2015. Collection method: clinical testing. Allele origin: germline.
Comment: The MYH7B c.2516C>T variant is predicted to result in the amino acid substitution p.Ala839Val. To our knowledge, this variant has not been reported in the literature. This variant is reported in 0.021% of alleles in individuals of African descent in gnomAD. At this time, the clinical significance of this variant is uncertain due to the absence of conclusive functional and genetic evidence.

Labcorp Genetics (formerly Invitae), Labcorp
Classification: Uncertain significance. Last evaluated: 2023-07-28. Review status: criteria provided, single submitter. Criteria: Invitae Variant Classification Sherloc (09022015). Collection method: clinical testing. Allele origin: germline.
Comment: In summary, the available evidence is currently insufficient to determine the role of this variant in disease. Therefore, it has been classified as a Variant of Uncertain Significance. This sequence change replaces alanine, which is neutral and non-polar, with valine, which is neutral and non-polar, at codon 839 of the MYH7B protein (p.Ala839Val). This variant is present in population databases (rs376063767, gnomAD 0.02%). This variant has not been reported in the literature in individuals affected with MYH7B-related conditions. Advanced modeling of protein sequence and biophysical properties (such as structural, functional, and spatial information, amino acid conservation, physicochemical variation, residue mobility, and thermodynamic stability) has been performed at Invitae for this missense variant, however the output from this modeling did not meet the statistical confidence thresholds required to predict the impact of this variant on MYH7B protein function. Algorithms developed to predict the effect of sequence changes on RNA splicing suggest that this variant may create or strengthen a splice site.

NM_020884.7(MYH7B):c.2390C>T (p.Ala797Val)

Gene: MYH7B (myosin heavy chain 7B; plus strand). Cytogenetic location: 20q11.22.
Variant type: single nucleotide variant.
Coding change: c.2390C>T on transcript NM_020884.7 (MANE Select); coding-DNA position 2390, C replaced by T.
Protein change: p.Ala797Val; replaces alanine 797 with valine.
Molecular consequence: missense variant.
Genome position (GRCh38, 1-based): chr20:34,993,416, C>T. VCF-style: chr20-34993416-C-T. GRCh37 (hg19) VCF-style: chr20-33581219-C-T.
Other names: c.2516C>T (NM_020884.4); short protein forms A797V.
Identifiers: ClinVar variation 2715246 (VCV002715246.4), dbSNP rs376063767, ClinGen allele CA9827353.